The following is an entry in ClinVar:

NM_022124.6(CDH23):c.5891dup (p.Tyr1964Ter)

Gene: CDH23 (cadherin related 23; plus strand). Cytogenetic location: 10q22.1.
Variant type: Duplication.
Coding change: c.5891dup on transcript NM_022124.6 (MANE Select); coding-DNA position 5891, one base duplicated (A; older notation c.5891dupA).
Protein change: p.Tyr1964Ter; replaces tyrosine 1964 with a stop codon.
Molecular consequence: nonsense.
Genome position (GRCh38, 1-based): chr10:71,789,010, A duplicated. VCF-style (leftmost placement, unchanged base first): chr10-71789009-T-TA. GRCh37 (hg19) VCF-style: chr10-73548766-T-TA.
Other names: short protein forms Y1964*.
Identifiers: ClinVar variation 2018209 (VCV002018209.4), dbSNP rs2494369791, ClinGen allele CA2580081835.

ClinVar aggregate classification (germline): Pathogenic (1 of 4 stars; one submission).

Submission:

Labcorp Genetics (formerly Invitae), Labcorp
Classification: Pathogenic. Last evaluated: 2022-10-13. Review status: criteria provided, single submitter. Criteria: Invitae Variant Classification Sherloc (09022015). Collection method: clinical testing. Allele origin: germline.
Comment: For these reasons, this variant has been classified as Pathogenic. This variant has not been reported in the literature in individuals affected with CDH23-related conditions. This variant is not present in population databases (gnomAD no frequency). This sequence change creates a premature translational stop signal (p.Tyr1964*) in the CDH23 gene. It is expected to result in an absent or disrupted protein product. Loss-of-function variants in CDH23 are known to be pathogenic (PMID: 11138009, 21940737).

Literature cited by the submitters: PubMed 11138009; PubMed 21940737.